The following is an entry in ClinVar:

NM_001101362.3(KBTBD13):c.226G>A (p.Asp76Asn)

Gene: KBTBD13 (kelch repeat and BTB domain containing 13; plus strand). Cytogenetic location: 15q22.31.
Variant type: single nucleotide variant.
Coding change: c.226G>A on transcript NM_001101362.3 (MANE Select); coding-DNA position 226, G replaced by A.
Protein change: p.Asp76Asn; replaces aspartic acid 76 with asparagine.
Molecular consequence: missense variant.
Genome position (GRCh38, 1-based): chr15:65,077,041, G>A. VCF-style: chr15-65077041-G-A. GRCh37 (hg19) VCF-style: chr15-65369379-G-A.
Other names: short protein forms D76N.
Identifiers: ClinVar variation 1009268 (VCV001009268.4), dbSNP rs1258831129, ClinGen allele CA392858885.
Genomic context (GRCh38, chr15:65,077,041, plus strand): 5'-GGAGGTTTCCGCGCCACGCTGCAGGTGCTGCGCGGCGACCGGCCGGCGCTGGCGGCGGAG[G>A]ACGAGCTGCTGCAGGCCGTGGAGTGCGCCGCCTTCCTCCAGGCGCCGGCGCTGGCTCGCT-3'
Protein context (NP_001094832.1, residues 66-86): RGDRPALAAE[Asp76Asn]ELLQAVECAA

ClinVar aggregate classification (germline): Uncertain significance (1 of 4 stars; one submission).

Conditions:
Nemaline myopathy 6 (NEM6). Also called: Nemaline myopathy 6, autosomal dominant. Identifiers: Orphanet 171439, MedGen C1836472, MONDO:0012237, OMIM 609273.

Submission:

Labcorp Genetics (formerly Invitae), Labcorp
Classification: Uncertain significance for Nemaline myopathy 6. Last evaluated: 2022-04-29. Review status: criteria provided, single submitter. Criteria: Invitae Variant Classification Sherloc (09022015). Collection method: clinical testing. Allele origin: germline.
Comment: This sequence change replaces aspartic acid, which is acidic and polar, with asparagine, which is neutral and polar, at codon 76 of the KBTBD13 protein (p.Asp76Asn). The frequency data for this variant in the population databases is considered unreliable, as metrics indicate poor data quality at this position in the gnomAD database. This variant has not been reported in the literature in individuals affected with KBTBD13-related conditions. ClinVar contains an entry for this variant (Variation ID: 1009268). Algorithms developed to predict the effect of missense changes on protein structure and function are either unavailable or do not agree on the potential impact of this missense change (SIFT: "Deleterious"; PolyPhen-2: "Possibly Damaging"; Align-GVGD: "Class C0"). In summary, the available evidence is currently insufficient to determine the role of this variant in disease. Therefore, it has been classified as a Variant of Uncertain Significance.